The following is an entry in ClinVar:

NM_006312.6(NCOR2):c.4623G>A (p.Leu1541=)

Gene: NCOR2 (nuclear receptor corepressor 2; minus strand). Cytogenetic location: 12q24.31.
Variant type: single nucleotide variant.
Coding change: c.4623G>A on transcript NM_006312.6 (MANE Select); coding-DNA position 4623, G replaced by A.
Protein change: p.Leu1541=; no amino-acid change (leucine 1541 retained).
Molecular consequence: synonymous variant.
Genome position (GRCh38, 1-based): chr12:124,344,688, C>T on the plus strand (G>A on the coding strand, the complement: NCOR2 is on the minus strand). VCF-style: chr12-124344688-C-T. GRCh37 (hg19) VCF-style: chr12-124829234-C-T.
Other names: c.4593G>A, p.Leu1531= (NM_001077261.4, NM_001206654.2).
Identifiers: ClinVar variation 3060500 (VCV003060500.2), dbSNP rs1263992, ClinGen allele CA6868219.
Genomic context (GRCh38, chr12:124,344,688, plus strand): 5'-GGTCACGGGCGAACCTCGTGGGAGGTGGCCGGCAAAGGGTGCCCCGTGGTCCTCATAGGT[C>T]AGGGGGCTCTGCCGCGGCTTACCCAGCTCAGGCACAATGACCGGGGCGCCGCGCGCAATG-3'
Protein context (NP_006303.4, residues 1531-1551): PELGKPRQSP[Leu1541=]TYEDHGAPFA

ClinVar aggregate classification (germline): Benign (0 of 4 stars; one submission).

Conditions:
NCOR2-related disorder. Also called: NCOR2-related condition.

Allele frequency attached by ClinVar (database versions not stated): 1000 Genomes Project 30x 0.57355; 1000 Genomes Project 0.58227; TOPMed 0.61371; gnomAD 0.62765; ESP Exome Variant Server 0.66715; gnomAD exomes 0.69843; ExAC 0.70045.
gnomAD v4.1: 1,055,170 of 1,526,734 alleles (69%); highest among the groups gnomAD compares: Middle Eastern, 74%; 368,676 homozygotes.

Submission:

PreventionGenetics, part of Exact Sciences
Classification: Benign for NCOR2-related condition. Last evaluated: 2019-10-17. Review status: no assertion criteria provided. Collection method: clinical testing. Allele origin: germline.
Comment: This variant is classified as benign based on ACMG/AMP sequence variant interpretation guidelines (Richards et al. 2015 PMID: 25741868, with internal and published modifications).